The following is an entry in ClinVar:

NM_017849.4(TMEM127):c.314T>A (p.Leu105Gln)

Gene: TMEM127 (transmembrane protein 127; minus strand). Cytogenetic location: 2q11.2.
Variant type: single nucleotide variant.
Coding change: c.314T>A on transcript NM_017849.4 (MANE Select); coding-DNA position 314, T replaced by A.
Protein change: p.Leu105Gln; replaces leucine 105 with glutamine.
Molecular consequence: missense variant.
Genome position (GRCh38, 1-based): chr2:96,254,928, A>T on the plus strand (T>A on the coding strand, the complement: TMEM127 is on the minus strand). VCF-style: chr2-96254928-A-T. GRCh37 (hg19) VCF-style: chr2-96920666-A-T.
Other names: c.314T>A, p.Leu105Gln (NM_001193304.3); c.62T>A, p.Leu21Gln (NM_001407282.1, NM_001407283.1); short protein forms L21Q, L105Q.
Identifiers: ClinVar variation 4185917 (VCV004185917.1).

ClinVar aggregate classification (germline): Uncertain significance (1 of 4 stars; one submission).

Conditions:
Hereditary cancer-predisposing syndrome. Also called: Neoplastic Syndromes, Hereditary; Tumor predisposition; Hereditary Cancer Syndrome; Hereditary neoplastic syndrome. Identifiers: Orphanet 140162, MedGen C0027672, MeSH D009386, MONDO:0015356.

Submission:

Ambry Genetics
Classification: Uncertain significance for Hereditary cancer-predisposing syndrome. Last evaluated: 2025-08-23. Review status: criteria provided, single submitter. Criteria: Ambry Variant Classification Scheme 2023. Collection method: clinical testing. Allele origin: germline.
Comment: The p.L105Q variant (also known as c.314T>A), located in coding exon 2 of the TMEM127 gene, results from a T to A substitution at nucleotide position 314. The leucine at codon 105 is replaced by glutamine, an amino acid with dissimilar properties. This amino acid position is conserved. In addition, this alteration is predicted to be deleterious by in silico analysis. Based on the available evidence, the clinical significance of this variant remains unclear.